The following is an entry in ClinVar:

NM_000064.4(C3):c.2114T>C (p.Phe705Ser)

Gene: C3 (complement C3; minus strand). Cytogenetic location: 19p13.3.
Variant type: single nucleotide variant.
Coding change: c.2114T>C on transcript NM_000064.4 (MANE Select); coding-DNA position 2114, T replaced by C.
Protein change: p.Phe705Ser; replaces phenylalanine 705 with serine.
Molecular consequence: missense variant.
Genome position (GRCh38, 1-based): chr19:6,707,207, A>G on the plus strand (T>C on the coding strand, the complement: C3 is on the minus strand). VCF-style: chr19-6707207-A-G. GRCh37 (hg19) VCF-style: chr19-6707218-A-G.
Other names: short protein forms F705S.
Identifiers: ClinVar variation 3649835 (VCV003649835.2).

ClinVar aggregate classification (germline): Uncertain significance (1 of 4 stars; one submission).

gnomAD v4.1: 1 of 1,613,672 alleles (0.000062%); no homozygotes.

Submission:

Labcorp Genetics (formerly Invitae), Labcorp
Classification: Uncertain significance. Last evaluated: 2024-06-03. Review status: criteria provided, single submitter. Criteria: Invitae Variant Classification Sherloc (09022015). Collection method: clinical testing. Allele origin: germline.
Comment: This sequence change replaces phenylalanine, which is neutral and non-polar, with serine, which is neutral and polar, at codon 705 of the C3 protein (p.Phe705Ser). This variant is present in population databases (no rsID available, gnomAD 0.01%). This variant has not been reported in the literature in individuals affected with C3-related conditions. Advanced modeling of protein sequence and biophysical properties (such as structural, functional, and spatial information, amino acid conservation, physicochemical variation, residue mobility, and thermodynamic stability) performed at Invitae indicates that this missense variant is not expected to disrupt C3 protein function with a negative predictive value of 80%. In summary, the available evidence is currently insufficient to determine the role of this variant in disease. Therefore, it has been classified as a Variant of Uncertain Significance.